The following is an entry in ClinVar:

NM_001854.4(COL11A1):c.4323_4340del (p.Leu1442_Gly1447del)

Gene: COL11A1 (collagen type XI alpha 1 chain; minus strand). Cytogenetic location: 1p21.1.
Variant type: Deletion.
Coding change: c.4323_4340del on transcript NM_001854.4 (MANE Select); coding-DNA positions 4323 to 4340, 18 bases deleted (TCTCAAAGGTGACCCTGG).
Protein change: p.Leu1442_Gly1447del.
Molecular consequence: inframe deletion. On other transcripts: inframe indel (1), non-coding transcript variant (1).
Genome position (GRCh38, 1-based): chr1:102,890,467-102,890,484, CCAGGGTCACCTTTGAGA deleted on the plus strand (TCTCAAAGGTGACCCTGG on the coding strand, the reverse complement: COL11A1 is on the minus strand); deleting any 18 consecutive bases within chr1:102,890,467-102,890,489 gives the same sequence; the c. name uses the placement nearest the transcript's 3' end. VCF-style (leftmost placement, unchanged base first): chr1-102890466-GCCAGGGTCACCTTTGAGA-G. GRCh37 (hg19) VCF-style: chr1-103356022-GCCAGGGTCACCTTTGAGA-G.
Other names: c.3970_3987del18, p.Leu1326_Gly1331del (NM_001168249.1); c.4206_4223del, p.Leu1403_Gly1408del (NM_001190709.2); c.4359_4376del, p.Leu1454_Gly1459del (NM_080629.3); c.3975_3992del, p.Leu1326_Gly1331del (NM_080630.4).
Identifiers: ClinVar variation 2630749 (VCV002630749.3), dbSNP rs2524263343, ClinGen allele CA2695198078.

ClinVar aggregate classification (germline): Likely pathogenic (0 of 4 stars; one submission).

Conditions:
COL11A1-related disorder. Also called: COL11A1-related condition; COL11A1-related disorders.

Submission:

PreventionGenetics, part of Exact Sciences
Classification: Likely pathogenic for COL11A1-related condition. Last evaluated: 2023-12-04. Review status: no assertion criteria provided. Collection method: clinical testing. Allele origin: germline.
Comment: The COL11A1 c.4323_4340del18 variant is predicted to result in an in-frame deletion (p.Leu1442_Gly1447del). To our knowledge, this variant has not been reported in the literature or in a large population database, indicating this variant is rare. This variant resides in the collagen triple helix repeat region, which is a known mutational hotspot in COL11A1. This variant is interpreted as likely pathogenic.